The following is an entry in ClinVar:

NM_007194.4(CHEK2):c.731dup (p.Lys245fs)

Gene: CHEK2 (checkpoint kinase 2; minus strand). Cytogenetic location: 22q12.1.
Variant type: Duplication.
Coding change: c.731dup on transcript NM_007194.4 (MANE Select); coding-DNA position 731, one base duplicated (A; older notation c.731dupA).
Protein change: p.Lys245fs; shifts the reading frame from lysine 245.
Molecular consequence: frameshift variant.
Genome position (GRCh38, 1-based): chr22:28,711,970, T duplicated on the plus strand (A on the coding strand, the reverse complement: CHEK2 is on the minus strand); the first of 2 consecutive T bases (chr22:28,711,970-28,711,971); duplicating either gives the same sequence. VCF-style (leftmost placement, unchanged base first): chr22-28711969-C-CT. GRCh37 (hg19) VCF-style: chr22-29107957-C-CT.
Other names: c.859dup, p.Lys288Glufs (NM_001005735.3); c.67dup, p.Lys24Glufs (NM_001257387.3); c.529dup, p.Lys178Glufs (NM_001349956.3); c.730dup, p.Lys245Glufs (NM_145862.3); short protein forms K288fs, K178fs, K245fs, K24fs.
Identifiers: ClinVar variation 2031189 (VCV002031189.4), dbSNP rs2517961952, ClinGen allele CA2580099686.

ClinVar aggregate classification (germline): Pathogenic (1 of 4 stars; one submission).

Conditions:
Familial cancer of breast. Also called: BREAST CANCER, FAMILIAL; Hereditary breast cancer; hereditary breast carcinoma. Identifiers: Orphanet 227535, MedGen C0346153, MONDO:0016419, OMIM 114480. Disease mechanism: loss of function.

Submission:

Labcorp Genetics (formerly Invitae), Labcorp
Classification: Pathogenic for Familial cancer of breast. Last evaluated: 2022-09-19. Review status: criteria provided, single submitter. Criteria: Invitae Variant Classification Sherloc (09022015). Collection method: clinical testing. Allele origin: germline.
Comment: This sequence change creates a premature translational stop signal (p.Lys245Glufs*27) in the CHEK2 gene. It is expected to result in an absent or disrupted protein product. Loss-of-function variants in CHEK2 are known to be pathogenic (PMID: 21876083, 24713400). This variant is not present in population databases (gnomAD no frequency). This variant has not been reported in the literature in individuals affected with CHEK2-related conditions. For these reasons, this variant has been classified as Pathogenic.

Literature cited by the submitters: PubMed 21876083; PubMed 24713400.